The following is an entry in ClinVar:

NM_006949.4(STXBP2):c.902+1G>A

Gene: STXBP2 (syntaxin binding protein 2; plus strand). Cytogenetic location: 19p13.2.
Variant type: single nucleotide variant.
Coding change: c.902+1G>A on transcript NM_006949.4 (MANE Select); the canonical splice donor site of the intron after coding-DNA position 902, G replaced by A.
Molecular consequence: splice donor variant.
Genome position (GRCh38, 1-based): chr19:7,642,537, G>A. VCF-style: chr19-7642537-G-A. GRCh37 (hg19) VCF-style: chr19-7707423-G-A.
Other names: c.806+1G>A (NM_001414484.1); c.935+1G>A (NM_001272034.2); c.893+1G>A (NM_001127396.3).
Identifiers: ClinVar variation 2033329 (VCV002033329.5), dbSNP rs2512698714, ClinGen allele CA403159890.

ClinVar aggregate classification (germline): Likely pathogenic (1 of 4 stars; one submission).

Conditions:
Familial hemophagocytic lymphohistiocytosis 5. Also called: STXBP2-Related Familial Hemophagocytic Lymphohistiocytosis (STXBP2-fHLH). Identifiers: Orphanet 540, MedGen C2751293, MONDO:0013135, OMIM 613101.

Submission:

Labcorp Genetics (formerly Invitae), Labcorp
Classification: Likely pathogenic for Familial hemophagocytic lymphohistiocytosis 5. Last evaluated: 2023-07-07. Review status: criteria provided, single submitter. Criteria: Invitae Variant Classification Sherloc (09022015). Collection method: clinical testing. Allele origin: germline.
Comment: Algorithms developed to predict the effect of sequence changes on RNA splicing suggest that this variant may disrupt the consensus splice site. This sequence change affects a donor splice site in intron 10 of the STXBP2 gene. It is expected to disrupt RNA splicing. Variants that disrupt the donor or acceptor splice site typically lead to a loss of protein function (PMID: 16199547), and loss-of-function variants in STXBP2 are known to be pathogenic (PMID: 19804848, 22451424). This variant is not present in population databases (gnomAD no frequency). This variant has not been reported in the literature in individuals affected with STXBP2-related conditions. ClinVar contains an entry for this variant (Variation ID: 2033329). In summary, the currently available evidence indicates that the variant is pathogenic, but additional data are needed to prove that conclusively. Therefore, this variant has been classified as Likely Pathogenic.

Literature cited by the submitters: PubMed 16199547; PubMed 19804848; PubMed 22451424.